The following is an entry in ClinVar:

ClinVar aggregate classification (germline): Likely pathogenic (1 of 4 stars; one submission).

Conditions:
Cardiac valvular dysplasia, X-linked (CVDPX). Also called: FLNA-Related X-linked Cardiac Valvular Dysplasia; MYXOMATOUS VALVULAR DYSTROPHY, X-LINKED; VALVULAR HEART DISEASE, CONGENITAL; Congenital valvular dysplasia; Isolated X-Linked Cardiac Valvular Dysplasia. Identifiers: Orphanet 1864, Orphanet 555877, Orphanet 75497, MedGen C0262436, MONDO:0010753, OMIM 314400.

Submission:

Tokyo Saiseikai Central Hospital
Classification: Likely pathogenic for Cardiac valvular dysplasia, X-linked. Last evaluated: 2025-11-19. Review status: criteria provided, single submitter. Criteria: ACMG Guidelines, 2015. Collection method: provider interpretation. Allele origin: germline. Inheritance: X-linked inheritance. Affected: yes. Observed: 3 variant alleles, 3 hemizygotes. Clinical features observed: Abnormal mitral valve morphology (HP:0001633), Aortic regurgitation (HP:0001659), Abnormal aortic valve morphology (HP:0001646), Cardiac arrhythmia (HP:0001656).
Comment: This variant was identified in three affected males within a Japanese family with X-linked cardiac valvular dysplasia. The variant’s effect on splicing was confirmed by RNA-seq, demonstrating that the change results in the in-frame deletion p.Val675_Lys676del. The RNA-seq data have been deposited in DDBJ under BioProject PRJDB39335. A manuscript describing this family is currently in preparation.

NM_001110556.2(FLNA):c.2023-6_2026delinsACGCT

Gene: FLNA (filamin A; minus strand). Cytogenetic location: Xq28.
Variant type: Indel.
Coding change: c.2023-6_2026delinsACGCT on transcript NM_001110556.2 (MANE Select); 6 bases into the intron before coding-DNA position 2023 through coding-DNA position 2026, CGCTAGGTGA replaced by ACGCT.
Molecular consequence: splice acceptor variant.
Genome position (GRCh38, 1-based): chrX:154,364,369-154,364,378, TCACCTAGCG replaced by AGCGT on the plus strand (CGCTAGGTGA replaced by ACGCT on the coding strand, the reverse complement: FLNA is on the minus strand). VCF-style: chrX-154364369-TCACCTAGCG-AGCGT. GRCh37 (hg19) VCF-style: chrX-153592737-TCACCTAGCG-AGCGT.
Other names: c.2023-6_2026delinsACGCT (NM_001456.4).
Identifiers: ClinVar variation 4532195 (VCV004532195.1).